The following is an entry in ClinVar:

NM_000400.4(ERCC2):c.1119-146T>G

Gene: ERCC2 (ERCC excision repair 2, TFIIH core complex helicase subunit; minus strand). Cytogenetic location: 19q13.32.
Variant type: single nucleotide variant.
Coding change: c.1119-146T>G on transcript NM_000400.4 (MANE Select); 146 bases into the intron before coding-DNA position 1119, T replaced by G.
Molecular consequence: intron variant.
Genome position (GRCh38, 1-based): chr19:45,361,788, A>C on the plus strand (T>G on the coding strand, the complement: ERCC2 is on the minus strand). VCF-style: chr19-45361788-A-C. GRCh37 (hg19) VCF-style: chr19-45865046-A-C.
Other names: c.1047-146T>G (NM_001130867.2).
Identifiers: ClinVar variation 135531 (VCV000135531.3), dbSNP rs111562095, ClinGen allele CA162988.

ClinVar aggregate classification (germline): Benign. Review status: criteria provided, multiple submitters, no conflicts (2 of 4 stars). 3 submissions from 3 submitters: Benign (2). 1 of the submissions does not count toward it. Last evaluated 2019-02-07.

Allele frequency attached by ClinVar (database versions not stated): 1000 Genomes Project 30x 0.00968; TOPMed 0.01664; gnomAD 0.01960 and 0.02027; ExAC 0.02814; 1000 Genomes Project 0.00938.
gnomAD v4.1: 15,878 of 703,866 alleles (2.3%); highest among the groups gnomAD compares: Non-Finnish European, 2.7%; 251 homozygotes.

Submissions (3):

GeneDx
Classification: Benign. Last evaluated: 2019-02-07. Review status: criteria provided, single submitter. Criteria: GeneDx Variant Classification Process June 2021. Collection method: clinical testing. Allele origin: germline. Affected: yes.

Breakthrough Genomics
Classification: Benign. Review status: criteria provided, single submitter. Criteria: ACMG Guidelines, 2015. Collection method: not provided. Allele origin: germline. Inheritance: Autosomal recessive inheritance. Affected: yes.

ITMI
No classification provided. Condition: AllHighlyPenetrant. Last evaluated: 2013-09-19. Review status: no classification provided. Collection method: reference population. Allele origin: germline. Not counted in ClinVar's aggregate classification.
Comment: Please see associated publication for description of ethnicities

Literature cited by the submitters: PubMed 24728327 (cited by ITMI).